The following is an entry in ClinVar:

NM_001134363.3(RBM20):c.134C>T (p.Pro45Leu)

Gene: RBM20 (RNA binding motif protein 20; plus strand). Cytogenetic location: 10q25.2.
Variant type: single nucleotide variant.
Coding change: c.134C>T on transcript NM_001134363.3 (MANE Select); coding-DNA position 134, C replaced by T.
Protein change: p.Pro45Leu; replaces proline 45 with leucine.
Molecular consequence: missense variant.
Genome position (GRCh38, 1-based): chr10:110,644,588, C>T. VCF-style: chr10-110644588-C-T. GRCh37 (hg19) VCF-style: chr10-112404346-C-T.
Other names: c.134C>T (NM_001134363.1); short protein forms P45L.
Identifiers: ClinVar variation 844635 (VCV000844635.11), dbSNP rs1036333804, ClinGen allele CA213903196.
Genomic context (GRCh38, chr10:110,644,588, plus strand): 5'-GTGTGCCTGGTGCCCGGGCGTCCCCGGCACCCTCCGGCCCGCGAGGGATGCAGCAGCCGC[C>T]GCCGCCGCCCCAGCCACCGCCCCCGCCCCAAGCCGGCCTACCCCAGATCATCCAAAAGTA-3'
Protein context (NP_001127835.2, residues 35-55): PSGPRGMQQP[Pro45Leu]PPPQPPPPPQ

ClinVar aggregate classification (germline): Conflicting classifications of pathogenicity. Review status: criteria provided, conflicting classifications (1 of 4 stars). 2 submissions from 2 submitters: Uncertain significance (1); Likely benign (1). Last evaluated 2025-05-24.

Conditions:
Cardiovascular phenotype. Identifiers: MedGen CN230736.
Dilated cardiomyopathy 1DD (CMD1DD). Identifiers: Orphanet 154, MedGen C2750995, MONDO:0013168, OMIM 613172.

Allele frequency attached by ClinVar (database versions not stated): gnomAD 0.00001; TOPMed 0.00001.
gnomAD v4.1: 22 of 1,524,220 alleles (0.0014%); highest among the groups gnomAD compares: Non-Finnish European, 0.0016%; no homozygotes.

Submissions (2):

Ambry Genetics
Classification: Uncertain significance for Cardiovascular phenotype. Last evaluated: 2025-05-24. Review status: criteria provided, single submitter. Criteria: Ambry Variant Classification Scheme 2023. Collection method: clinical testing. Allele origin: germline.
Comment: The p.P45L variant (also known as c.134C>T), located in coding exon 1 of the RBM20 gene, results from a C to T substitution at nucleotide position 134. The proline at codon 45 is replaced by leucine, an amino acid with similar properties. This amino acid position is conserved. In addition, this alteration is predicted to be tolerated by in silico analysis. Based on the available evidence, the clinical significance of this variant remains unclear.

Labcorp Genetics (formerly Invitae), Labcorp
Classification: Likely benign for Dilated cardiomyopathy 1DD. Last evaluated: 2024-09-05. Review status: criteria provided, single submitter. Criteria: Invitae Variant Classification Sherloc (09022015). Collection method: clinical testing. Allele origin: germline.